The following is an entry in ClinVar:

ClinVar aggregate classification (germline): Uncertain significance (1 of 4 stars; one submission).

Submission:

Ambry Genetics
Classification: Uncertain significance. Last evaluated: 2025-01-23. Review status: criteria provided, single submitter. Criteria: Ambry Variant Classification Scheme 2023. Collection method: clinical testing. Allele origin: germline.
Comment: The p.Y586N variant (also known as c.1756T>A), located in coding exon 18 of the SRP72 gene, results from a T to A substitution at nucleotide position 1756. The tyrosine at codon 586 is replaced by asparagine, an amino acid with dissimilar properties. This amino acid position is conserved. In addition, this alteration is predicted to be deleterious by in silico analysis. Based on the available evidence, the clinical significance of this variant remains unclear.

NM_006947.4(SRP72):c.1756T>A (p.Tyr586Asn)

Gene: SRP72 (signal recognition particle 72; plus strand). Cytogenetic location: 4q12.
Variant type: single nucleotide variant.
Coding change: c.1756T>A on transcript NM_006947.4 (MANE Select); coding-DNA position 1756, T replaced by A.
Protein change: p.Tyr586Asn; replaces tyrosine 586 with asparagine.
Molecular consequence: missense variant. On other transcripts: non-coding transcript variant (1).
Genome position (GRCh38, 1-based): chr4:56,500,613, T>A. VCF-style: chr4-56500613-T-A. GRCh37 (hg19) VCF-style: chr4-57366779-T-A.
Other names: c.1573T>A, p.Tyr525Asn (NM_001267722.2); short protein forms Y586N, Y525N.
Identifiers: ClinVar variation 3801460 (VCV003801460.1).